The following is an entry in ClinVar:

ClinVar aggregate classification (germline): Uncertain significance (1 of 4 stars; one submission).

Submission:

GeneDx
Classification: Uncertain significance. Last evaluated: 2025-02-26. Review status: criteria provided, single submitter. Criteria: GeneDx Variant Classification Process June 2021. Collection method: clinical testing. Allele origin: germline. Affected: yes.
Comment: Not observed at significant frequency in large population cohorts (gnomAD); Missense variant in a gene in which most reported pathogenic variants are truncating/loss of function; Has not been previously published as pathogenic or benign to our knowledge

NM_001267550.2(TTN):c.59820T>A (p.His19940Gln)

Genes: TTN (titin; minus strand), TTN-AS1 (TTN antisense RNA 1; plus strand), LOC126806424 (CDK7 strongly-dependent group 2 enhancer GRCh37_chr2:179456337-179457536; plus strand). Cytogenetic location: 2q31.2.
Variant type: single nucleotide variant.
Coding change: c.59820T>A on transcript NM_001267550.2 (MANE Select); coding-DNA position 59820, T replaced by A.
Protein change: p.His19940Gln; replaces histidine 19940 with glutamine.
Molecular consequence: missense variant.
Genome position (GRCh38, 1-based): chr2:178,592,084, A>T on the plus strand (T>A on the coding strand, the complement: TTN is on the minus strand). VCF-style: chr2-178592084-A-T. GRCh37 (hg19) VCF-style: chr2-179456811-A-T.
Other names: c.54897T>A, p.His18299Gln (NM_001256850.1); c.32625T>A, p.His10875Gln (NM_003319.4); c.52116T>A, p.His17372Gln (NM_133378.4); c.33000T>A, p.His11000Gln (NM_133432.3); c.33201T>A, p.His11067Gln (NM_133437.4); short protein forms H10875Q, H11000Q, H11067Q, H17372Q, H18299Q, H19940Q.
Identifiers: ClinVar variation 4077331 (VCV004077331.1).